The following is an entry in ClinVar:

ClinVar aggregate classification (germline): Uncertain significance (1 of 4 stars; one submission).

Conditions:
Brugada syndrome. Also called: Sudden unexplained nocturnal death syndrome; Sudden Unexplained Death Syndrome; Sudden Unexplained Nocturnal Death Syndrome (SUNDS); Sudden unexpected nocturnal death syndrome. Identifiers: Orphanet 130, MedGen C1142166, MONDO:0015263.

Allele frequency attached by ClinVar (database versions not stated): gnomAD exomes below 0.00001; ExAC 0.00001.

Submission:

Labcorp Genetics (formerly Invitae), Labcorp
Classification: Uncertain significance for Brugada syndrome. Last evaluated: 2021-05-30. Review status: criteria provided, single submitter. Criteria: Invitae Variant Classification Sherloc (09022015). Collection method: clinical testing. Allele origin: germline.
Comment: This sequence change falls in intron 17 of the SCN10A gene. It does not directly change the encoded amino acid sequence of the SCN10A protein. It affects a nucleotide within the consensus splice site of the intron. This variant is present in population databases (rs748066260, ExAC 0.002%). This variant has not been reported in the literature in individuals with SCN10A-related conditions. Nucleotide substitutions within the consensus splice site are a relatively common cause of aberrant splicing (PMID: 17576681, 9536098). Algorithms developed to predict the effect of sequence changes on RNA splicing suggest that this variant is not likely to affect RNA splicing, but this prediction has not been confirmed by published transcriptional studies. In summary, the available evidence is currently insufficient to determine the role of this variant in disease. Therefore, it has been classified as a Variant of Uncertain Significance.

Literature cited by the submitters: PubMed 17576681; PubMed 9536098.

NM_006514.4(SCN10A):c.3228+6T>A

Genes: SCN10A (sodium voltage-gated channel alpha subunit 10; minus strand), LOC110121288 (VISTA enhancer hs2268; plus strand). Cytogenetic location: 3p22.2.
Variant type: single nucleotide variant.
Coding change: c.3228+6T>A on transcript NM_006514.4 (MANE Select); 6 bases into the intron after coding-DNA position 3228, T replaced by A.
Molecular consequence: intron variant.
Genome position (GRCh38, 1-based): chr3:38,725,168, A>T on the plus strand (T>A on the coding strand, the complement: SCN10A is on the minus strand). VCF-style: chr3-38725168-A-T. GRCh37 (hg19) VCF-style: chr3-38766659-A-T.
Other names: c.2934+6T>A (NM_001293307.2); c.3225+6T>A (NM_001293306.2).
Identifiers: ClinVar variation 1474448 (VCV001474448.6), dbSNP rs748066260, ClinGen allele CA2320317.